The following is an entry in ClinVar:

ClinVar aggregate classification (germline): Benign (1 of 4 stars; one submission).

Conditions:
Familial cancer of breast. Also called: Hereditary breast cancer; hereditary breast carcinoma; BREAST CANCER, FAMILIAL. Identifiers: Orphanet 227535, MedGen C0346153, MONDO:0016419, OMIM 114480. Disease mechanism: loss of function.

Submission:

Myriad Genetics, Inc.
Classification: Benign for Familial cancer of breast. Last evaluated: 2025-01-22. Review status: criteria provided, single submitter. Criteria: Myriad Autosomal Dominant, Autosomal Recessive and X-Linked Classification Criteria (2023). Collection method: clinical testing. Allele origin: unknown.
Comment: This variant is considered benign. This variant is a silent/synonymous amino acid change and it is not expected to impact splicing.

NM_024675.4(PALB2):c.3309G>T (p.Val1103=)

Gene: PALB2 (partner and localizer of BRCA2; minus strand). Cytogenetic location: 16p12.2.
Variant type: single nucleotide variant.
Coding change: c.3309G>T on transcript NM_024675.4 (MANE Select); coding-DNA position 3309, G replaced by T.
Protein change: p.Val1103=; no amino-acid change (valine 1103 retained).
Molecular consequence: synonymous variant. On other transcripts: intron variant (8).
Genome position (GRCh38, 1-based): chr16:23,607,905, C>A on the plus strand (G>T on the coding strand, the complement: PALB2 is on the minus strand). VCF-style: chr16-23607905-C-A. GRCh37 (hg19) VCF-style: chr16-23619226-C-A.
Other names: c.3249G>T, p.Val1083= (NM_001407296.1); c.3237G>T, p.Val1079= (NM_001407297.1); c.3147G>T, p.Val1049= (NM_001407298.1); c.3030G>T, p.Val1010= (NM_001407300.1); c.2424G>T, p.Val808= (NM_001407304.1, NM_001407305.1, NM_001407306.1); c.2262G>T, p.Val754= (NM_001407307.1); c.1521G>T, p.Val507= (NM_001407312.1); c.843G>T, p.Val281= (NM_001407314.1); and 6 more.
Identifiers: ClinVar variation 3903655 (VCV003903655.1).